The following is an entry in ClinVar:

ClinVar aggregate classification (germline): Uncertain significance (1 of 4 stars; one submission).

Submission:

Labcorp Genetics (formerly Invitae), Labcorp
Classification: Uncertain significance. Last evaluated: 2022-11-13. Review status: criteria provided, single submitter. Criteria: Invitae Variant Classification Sherloc (09022015). Collection method: clinical testing. Allele origin: germline.
Comment: Experimental studies and prediction algorithms are not available or were not evaluated, and the effect of this variant on mRNA splicing is currently unknown. This sequence change falls in intron 7 of the CNNM2 gene. It does not directly change the encoded amino acid sequence of the CNNM2 protein. Information on the frequency of this variant in the gnomAD database is not available, as this variant may be reported differently in the database. This variant has not been reported in the literature in individuals affected with CNNM2-related conditions. In summary, the available evidence is currently insufficient to determine the role of this variant in disease. Therefore, it has been classified as a Variant of Uncertain Significance.

NM_017649.5(CNNM2):c.2418+19_2418+20delinsCC

Gene: CNNM2 (cyclin and CBS domain divalent metal cation transport mediator 2; plus strand). Cytogenetic location: 10q24.32.
Variant type: Indel.
Coding change: c.2418+19_2418+20delinsCC on transcript NM_017649.5 (MANE Select); bases 19 to 20 of the intron after coding-DNA position 2418, GT replaced by CC.
Molecular consequence: intron variant.
Genome position (GRCh38, 1-based): chr10:103,076,289-103,076,290, GT replaced by CC. VCF-style: chr10-103076289-GT-CC. GRCh37 (hg19) VCF-style: chr10-104836046-GT-CC.
Other names: c.2352+19_2352+20delinsCC (NM_199076.3).
Identifiers: ClinVar variation 1925366 (VCV001925366.5), dbSNP rs2493672061, ClinGen allele CA2580081205.